The following is an entry in ClinVar:

ClinVar aggregate classification (germline): Uncertain significance (1 of 4 stars; one submission).

Submission:

GeneDx
Classification: Uncertain significance. Last evaluated: 2023-11-19. Review status: criteria provided, single submitter. Criteria: GeneDx Variant Classification Process June 2021. Collection method: clinical testing. Allele origin: germline. Affected: yes.
Comment: Not observed at significant frequency in large population cohorts (gnomAD); In silico analysis supports that this missense variant does not alter protein structure/function; Has not been previously published as pathogenic or benign to our knowledge

NM_004187.5(KDM5C):c.4363C>G (p.Leu1455Val)

Gene: KDM5C (lysine demethylase 5C; minus strand). Cytogenetic location: Xp11.22.
Variant type: single nucleotide variant.
Coding change: c.4363C>G on transcript NM_004187.5 (MANE Select); coding-DNA position 4363, C replaced by G.
Protein change: p.Leu1455Val; replaces leucine 1455 with valine.
Molecular consequence: missense variant. On other transcripts: intron variant (5).
Genome position (GRCh38, 1-based): chrX:53,193,287, G>C on the plus strand (C>G on the coding strand, the complement: KDM5C is on the minus strand). VCF-style: chrX-53193287-G-C. GRCh37 (hg19) VCF-style: chrX-53222469-G-C.
Other names: c.4360C>G, p.Leu1454Val (NM_001282622.3); c.4354C>G, p.Leu1452Val (NM_001353978.3); c.4305+150C>G (NM_001353982.2); c.4314+150C>G (NM_001353979.2); c.4308+150C>G (NM_001353981.2, NM_001353984.2); c.4046+211C>G (NM_001146702.2); short protein forms L1452V, L1454V, L1455V.
Identifiers: ClinVar variation 3364490 (VCV003364490.1).
Genomic context (GRCh38, chrX:53,193,287, plus strand): 5'-CTCGGGCTGGGTCATCGCCCTCCCCACCCCGATCCACCTTCCGCCGCCGCCGCCTCTCCA[G>C]GGCCCGGCCCCGAGCCCGACTCCCGTGACGCTCTGCCTTCTCCAGCTGTGATTACAGACA-3'
Protein context (NP_004178.2, residues 1445-1465): RHGSRARGRA[Leu1455Val]ERRRRRKVDR